The following is an entry in ClinVar:

NM_000368.5(TSC1):c.1128C>G (p.Val376=)

Gene: TSC1 (TSC complex subunit 1; minus strand). Cytogenetic location: 9q34.13.
Variant type: single nucleotide variant.
Coding change: c.1128C>G on transcript NM_000368.5 (MANE Select); coding-DNA position 1128, C replaced by G.
Protein change: p.Val376=; no amino-acid change (valine 376 retained).
Molecular consequence: synonymous variant.
Genome position (GRCh38, 1-based): chr9:132,911,015, G>C on the plus strand (C>G on the coding strand, the complement: TSC1 is on the minus strand). VCF-style: chr9-132911015-G-C. GRCh37 (hg19) VCF-style: chr9-135786402-G-C.
Other names: c.1128C>G, p.Val376= (NM_001162426.2); c.975C>G, p.Val325= (NM_001162427.2); c.765C>G, p.Val255= (NM_001362177.2).
Identifiers: ClinVar variation 1641969 (VCV001641969.11), dbSNP rs1419093686, ClinGen allele CA467593317.

ClinVar aggregate classification (germline): Benign/Likely benign. Review status: criteria provided, multiple submitters, no conflicts (2 of 4 stars). 3 submissions from 3 submitters: Benign (1); Likely benign (2). Last evaluated 2026-01-14.

Conditions:
Tuberous sclerosis 1 (TSC1). Identifiers: Orphanet 805, MedGen C1854465, MONDO:0008612, OMIM 191100.
Hereditary cancer-predisposing syndrome. Also called: Tumor predisposition; Hereditary neoplastic syndrome; Neoplastic Syndromes, Hereditary; Hereditary Cancer Syndrome. Identifiers: Orphanet 140162, MedGen C0027672, MeSH D009386, MONDO:0015356.

Allele frequency attached by ClinVar (database versions not stated): gnomAD exomes below 0.00001.
gnomAD v4.1: 3 of 1,614,092 alleles (0.00019%); highest among the groups gnomAD compares: Non-Finnish European, 0.00017%; no homozygotes.

Submissions (3):

Labcorp Genetics (formerly Invitae), Labcorp
Classification: Likely benign for Tuberous sclerosis 1. Last evaluated: 2026-01-14. Review status: criteria provided, single submitter. Criteria: Invitae Variant Classification Sherloc (09022015). Collection method: clinical testing. Allele origin: germline.

Myriad Genetics, Inc.
Classification: Benign for Tuberous sclerosis 1. Last evaluated: 2025-04-09. Review status: criteria provided, single submitter. Criteria: Myriad Autosomal Dominant, Autosomal Recessive and X-Linked Classification Criteria (2023). Collection method: clinical testing. Allele origin: unknown.
Comment: This variant is considered benign. This variant is a silent/synonymous amino acid change and it is not expected to impact splicing.

Ambry Genetics
Classification: Likely benign for Hereditary cancer-predisposing syndrome. Last evaluated: 2021-01-05. Review status: criteria provided, single submitter. Criteria: Ambry Variant Classification Scheme 2023. Collection method: clinical testing. Allele origin: germline.